The following is an entry in ClinVar:

ClinVar aggregate classification (germline): Uncertain significance (1 of 4 stars; one submission).

Conditions:
Long QT syndrome (LQTS). Identifiers: MedGen C0023976, MeSH D008133, MONDO:0002442. Disease mechanism: loss of function. Inheritance: Various modes of inheritance.

Allele frequency attached by ClinVar (database versions not stated): TOPMed 0.00001.
gnomAD v4.1: 2 of 1,613,816 alleles (0.00012%); highest among the groups gnomAD compares: African/African-American, 0.0027%; no homozygotes.

Submission:

Labcorp Genetics (formerly Invitae), Labcorp
Classification: Uncertain significance for Long QT syndrome. Last evaluated: 2025-03-11. Review status: criteria provided, single submitter. Criteria: Invitae Variant Classification Sherloc (09022015). Collection method: clinical testing. Allele origin: germline.
Comment: This sequence change falls in intron 31 of the CACNA1C gene. It does not directly change the encoded amino acid sequence of the CACNA1C protein. This variant is not present in population databases (gnomAD no frequency). This variant has not been reported in the literature in individuals affected with CACNA1C-related conditions. ClinVar contains an entry for this variant (Variation ID: 411722). Algorithms developed to predict the effect of sequence changes on RNA splicing suggest that this variant may create or strengthen a splice site. In summary, the available evidence is currently insufficient to determine the role of this variant in disease. Therefore, it has been classified as a Variant of Uncertain Significance.

NM_000719.7(CACNA1C):c.3946-10C>G

Gene: CACNA1C (calcium voltage-gated channel subunit alpha1 C; plus strand). Cytogenetic location: 12p13.33.
Variant type: single nucleotide variant.
Coding change: c.3946-10C>G on transcript NM_000719.7 (MANE Select); 10 bases into the intron before coding-DNA position 3946, C replaced by G.
Molecular consequence: intron variant. On other transcripts: missense variant (1).
Genome position (GRCh38, 1-based): chr12:2,651,630, C>G. VCF-style: chr12-2651630-C-G. GRCh37 (hg19) VCF-style: chr12-2760796-C-G.
Other names: c.4002C>G, p.Asp1334Glu (NM_001129829.2); c.3946-10C>G (NM_001167624.3, NM_001167623.2, NM_001129840.2 and 7 more transcripts); c.3913-10C>G (NM_001167625.2, NM_001129837.2, NM_001129838.2 and 1 more transcripts); c.4090-10C>G (NM_199460.4, NM_001129827.2); c.4006-10C>G (NM_001129832.2); c.4030-10C>G (NM_001129831.2); c.3907-10C>G (NM_001129839.2); c.3997-10C>G (NM_001129836.2); and 1 more; short protein forms D1334E.
Identifiers: ClinVar variation 411722 (VCV000411722.9), dbSNP rs370630496, ClinGen allele CA16614109.
Genomic context (GRCh38, chr12:2,651,630, plus strand): 5'-GGAGGGGCCCTCCTGTTCTCACCCCCCTCTTGCTGTGCTAACTGCACCTCCTGTTGCCGA[C>G]GGGTTCCAGAACGCAGAGGAAAACTCCCGCATCTCCATCACCTTCTTCCGCCTGTTCCGG-3'